The following is an entry in ClinVar:

NM_016507.4(CDK12):c.2830C>G (p.Gln944Glu)

Gene: CDK12 (cyclin dependent kinase 12; plus strand). Cytogenetic location: 17q12.
Variant type: single nucleotide variant.
Coding change: c.2830C>G on transcript NM_016507.4 (MANE Select); coding-DNA position 2830, C replaced by G.
Protein change: p.Gln944Glu; replaces glutamine 944 with glutamic acid.
Molecular consequence: missense variant.
Genome position (GRCh38, 1-based): chr17:39,515,792, C>G. VCF-style: chr17-39515792-C-G. GRCh37 (hg19) VCF-style: chr17-37672045-C-G.
Other names: c.2830C>G, p.Gln944Glu (NM_015083.4); short protein forms Q944E.
Identifiers: ClinVar variation 5034124 (VCV005034124.1).

ClinVar aggregate classification (germline): Uncertain significance (1 of 4 stars; one submission).

Submission:

Ambry Genetics
Classification: Uncertain significance. Last evaluated: 2026-08-01. Review status: criteria provided, single submitter. Criteria: Ambry Variant Classification Scheme 2023. Collection method: clinical testing. Allele origin: germline.
Comment: The p.Q944E variant (also known as c.2830C>G), located in coding exon 9 of the CDK12 gene, results from a C to G substitution at nucleotide position 2830. The glutamine at codon 944 is replaced by glutamic acid, an amino acid with highly similar properties. This amino acid position is conserved. In addition, this alteration is predicted to be deleterious by in silico analysis. Based on the available evidence, the clinical significance of this variant remains unclear.